The following is an entry in ClinVar:

ClinVar aggregate classification (germline): Uncertain significance (1 of 4 stars; one submission).

Submission:

Mayo Clinic Laboratories, Mayo Clinic
Classification: Uncertain significance. Last evaluated: 2024-05-29. Review status: criteria provided, single submitter. Criteria: ACMG Guidelines, 2015. Collection method: clinical testing. Allele origin: germline. Observed: 1 variant allele.
Comment: PM2

NM_021098.3(CACNA1H):c.697G>A (p.Val233Ile)

Gene: CACNA1H (calcium voltage-gated channel subunit alpha1 H; plus strand). Cytogenetic location: 16p13.3.
Variant type: single nucleotide variant.
Coding change: c.697G>A on transcript NM_021098.3 (MANE Select); coding-DNA position 697, G replaced by A.
Protein change: p.Val233Ile; replaces valine 233 with isoleucine.
Molecular consequence: missense variant.
Genome position (GRCh38, 1-based): chr16:1,198,668, G>A. VCF-style: chr16-1198668-G-A. GRCh37 (hg19) VCF-style: chr16-1248668-G-A.
Other names: p.Val233Ile; c.697G>A, p.Val233Ile (NM_001005407.2); short protein forms V233I.
Identifiers: ClinVar variation 3380339 (VCV003380339.1).